The following is an entry in ClinVar:

ClinVar aggregate classification (germline): Uncertain significance. Review status: criteria provided, single submitter (1 of 4 stars). 2 submissions from 2 submitters: Uncertain significance (1). 1 of the submissions does not count toward it. Last evaluated 2018-01-13.

Conditions:
KHK-related disorder. Also called: KHK-related condition.
Essential fructosuria. Also called: HEPATIC FRUCTOKINASE DEFICIENCY; KETOHEXOKINASE DEFICIENCY. Identifiers: Orphanet 2056, MedGen C0268160, MONDO:0009252, OMIM 229800.

Allele frequency attached by ClinVar (database versions not stated): TOPMed 0.00002; gnomAD exomes 0.00003 and 0.00001; ExAC 0.00005; gnomAD 0.00005 and 0.00002; 1000 Genomes Project 30x 0.00031.

Submissions (2):

Illumina Laboratory Services, Illumina
Classification: Uncertain significance for Essential fructosuria. Last evaluated: 2018-01-13. Review status: criteria provided, single submitter. Criteria: ICSL Variant Classification Criteria 13 December 2019. Collection method: clinical testing. Allele origin: germline.

PreventionGenetics, part of Exact Sciences
Classification: Likely benign for KHK-related condition. Last evaluated: 2019-02-28. Review status: no assertion criteria provided. Collection method: clinical testing. Allele origin: germline. Not counted in ClinVar's aggregate classification.
Comment: This variant is classified as likely benign based on ACMG/AMP sequence variant interpretation guidelines (Richards et al. 2015 PMID: 25741868, with internal and published modifications).

NM_006488.3(KHK):c.19C>T (p.Leu7=)

Gene: KHK (ketohexokinase; plus strand). Cytogenetic location: 2p23.3.
Variant type: single nucleotide variant.
Coding change: c.19C>T on transcript NM_006488.3 (MANE Select); coding-DNA position 19, C replaced by T.
Protein change: p.Leu7=; no amino-acid change (leucine 7 retained).
Molecular consequence: synonymous variant.
Genome position (GRCh38, 1-based): chr2:27,087,278, C>T. VCF-style: chr2-27087278-C-T. GRCh37 (hg19) VCF-style: chr2-27310146-C-T.
Other names: c.19C>T, p.Leu7= (NM_000221.3).
Identifiers: ClinVar variation 895296 (VCV000895296.6), dbSNP rs750201072, ClinGen allele CA1569076.